The following is an entry in ClinVar:

NM_003906.5(MCM3AP):c.2678C>T (p.Thr893Ile)

Gene: MCM3AP (minichromosome maintenance complex component 3 associated protein; minus strand). Cytogenetic location: 21q22.3.
Variant type: single nucleotide variant.
Coding change: c.2678C>T on transcript NM_003906.5 (MANE Select); coding-DNA position 2678, C replaced by T.
Protein change: p.Thr893Ile; replaces threonine 893 with isoleucine.
Molecular consequence: missense variant.
Genome position (GRCh38, 1-based): chr21:46,267,093, G>A on the plus strand (C>T on the coding strand, the complement: MCM3AP is on the minus strand). VCF-style: chr21-46267093-G-A. GRCh37 (hg19) VCF-style: chr21-47687007-G-A.
Other names: short protein forms T893I.
Identifiers: ClinVar variation 1943196 (VCV001943196.2), dbSNP rs1236336144, ClinGen allele CA410564182.

ClinVar aggregate classification (germline): Uncertain significance (1 of 4 stars; one submission).

Allele frequency attached by ClinVar (database versions not stated): TOPMed below 0.00001; gnomAD exomes 0.00003.
gnomAD v4.1: 45 of 1,614,090 alleles (0.0028%); highest among the groups gnomAD compares: Non-Finnish European, 0.0037%; no homozygotes.

Submission:

Labcorp Genetics (formerly Invitae), Labcorp
Classification: Uncertain significance. Last evaluated: 2022-07-04. Review status: criteria provided, single submitter. Criteria: Invitae Variant Classification Sherloc (09022015). Collection method: clinical testing. Allele origin: germline.
Comment: This sequence change replaces threonine, which is neutral and polar, with isoleucine, which is neutral and non-polar, at codon 893 of the MCM3AP protein (p.Thr893Ile). This variant is present in population databases (no rsID available, gnomAD 0.0009%). This variant has not been reported in the literature in individuals affected with MCM3AP-related conditions. Algorithms developed to predict the effect of missense changes on protein structure and function are either unavailable or do not agree on the potential impact of this missense change (SIFT: "Tolerated"; PolyPhen-2: "Probably Damaging"; Align-GVGD: "Class C0"). In summary, the available evidence is currently insufficient to determine the role of this variant in disease. Therefore, it has been classified as a Variant of Uncertain Significance.